The following is an entry in ClinVar:

NM_001613.4(ACTA2):c.691A>G (p.Thr231Ala)

Genes: ACTA2 (actin alpha 2, smooth muscle; minus strand), ACTA2-AS1 (ACTA2 antisense RNA 1; plus strand). Cytogenetic location: 10q23.31.
Variant type: single nucleotide variant.
Coding change: c.691A>G on transcript NM_001613.4 (MANE Select); coding-DNA position 691, A replaced by G.
Protein change: p.Thr231Ala; replaces threonine 231 with alanine.
Molecular consequence: missense variant. On other transcripts: non-coding transcript variant (1).
Genome position (GRCh38, 1-based): chr10:88,939,624, T>C on the plus strand (A>G on the coding strand, the complement: ACTA2 is on the minus strand). VCF-style: chr10-88939624-T-C. GRCh37 (hg19) VCF-style: chr10-90699381-T-C.
Other names: c.691A>G, p.Thr231Ala (NM_001141945.3, NM_001320855.2, NM_001406462.1 and 2 more transcripts); c.580A>G, p.Thr194Ala (NM_001406466.1); c.562A>G, p.Thr188Ala (NM_001406467.1, NM_001406468.1, NM_001406469.1); short protein forms T231A, T194A, T188A.
Identifiers: ClinVar variation 979112 (VCV000979112.6), dbSNP rs1845811593, ClinGen allele CA377511387.

ClinVar aggregate classification (germline): Uncertain significance. Review status: criteria provided, multiple submitters, no conflicts (2 of 4 stars). 2 submissions from 2 submitters: Uncertain significance (2). Last evaluated 2024-03-06.

Conditions:
Familial thoracic aortic aneurysm and aortic dissection (TAAD). Also called: Thoracic aortic aneurysms and dissections. Identifiers: Orphanet 91387, MedGen C4707243, MONDO:0019625.
Aortic aneurysm, familial thoracic 6 (AAT6). Also called: FAMILIAL THORACIC AORTIC ANEURYSM WITH LIVEDO RETICULARIS AND IRIS FLOCCULI. Identifiers: MedGen C2673186, MONDO:0012730, OMIM 611788.

Allele frequency attached by ClinVar (database versions not stated): gnomAD exomes below 0.00001.
gnomAD v4.1: 1 of 1,614,092 alleles (0.000062%); highest among the groups gnomAD compares: Non-Finnish European, 0.000085%; no homozygotes.

Submissions (2):

Color Diagnostics, LLC DBA Color Health
Classification: Uncertain significance for Familial thoracic aortic aneurysm and aortic dissection. Last evaluated: 2024-03-06. Review status: criteria provided, single submitter. Criteria: ACMG Guidelines, 2015. Collection method: clinical testing. Allele origin: germline.
Comment: This missense variant replaces threonine with alanine at codon 231 of the ACTA2 protein. Computational prediction is inconclusive regarding the impact of this variant on protein structure and function (internally defined REVEL score threshold 0.5 < inconclusive < 0.7, PMID: 27666373). To our knowledge, functional studies have not been reported for this variant. This variant has not been reported in individuals affected with cardiovascular disorders in the literature. This variant has not been identified in the general population by the Genome Aggregation Database (gnomAD). The available evidence is insufficient to determine the role of this variant in disease conclusively. Therefore, this variant is classified as a Variant of Uncertain Significance.

Human Genome Sequencing Center Clinical Lab, Baylor College of Medicine
Classification: Uncertain significance for Familial thoracic aortic aneurysm 6. Review status: criteria provided, single submitter. Criteria: ACMG Guidelines, 2015. Collection method: clinical testing. Allele origin: germline.